The following is an entry in ClinVar:

ClinVar aggregate classification (germline): Uncertain significance. Review status: criteria provided, multiple submitters, no conflicts (2 of 4 stars). 3 submissions from 3 submitters: Uncertain significance (2). 1 of the submissions does not count toward it. Last evaluated 2022-07-25.

Conditions:
Retinal dystrophy. Also called: Inherited retinal dystrophy. Identifiers: Orphanet 71862, MedGen C0854723, MeSH D058499, MONDO:0019118, HP:0000556.

Allele frequency attached by ClinVar (database versions not stated): gnomAD exomes below 0.00001.
gnomAD v4.1: 6 of 1,611,980 alleles (0.00037%); highest among the groups gnomAD compares: Middle Eastern, 0.017%; no homozygotes.

Submissions (3):

Labcorp Genetics (formerly Invitae), Labcorp
Classification: Uncertain significance. Last evaluated: 2022-07-25. Review status: criteria provided, single submitter. Criteria: Invitae Variant Classification Sherloc (09022015). Collection method: clinical testing. Allele origin: germline.
Comment: This sequence change replaces leucine, which is neutral and non-polar, with phenylalanine, which is neutral and non-polar, at codon 562 of the MERTK protein (p.Leu562Phe). This variant is not present in population databases (gnomAD no frequency). This variant has not been reported in the literature in individuals affected with MERTK-related conditions. ClinVar contains an entry for this variant (Variation ID: 937646). Algorithms developed to predict the effect of missense changes on protein structure and function are either unavailable or do not agree on the potential impact of this missense change (SIFT: "Deleterious"; PolyPhen-2: "Possibly Damaging"; Align-GVGD: "Class C15"). In summary, the available evidence is currently insufficient to determine the role of this variant in disease. Therefore, it has been classified as a Variant of Uncertain Significance.

Blueprint Genetics
Classification: Uncertain significance. Last evaluated: 2021-11-19. Review status: criteria provided, single submitter. Criteria: ACMG Guidelines, 2015. Collection method: clinical testing. Allele origin: germline.

Institute of Human Genetics, Univ. Regensburg, Univ. Regensburg
Classification: Uncertain significance for Retinal dystrophy. Last evaluated: 2023-01-01. Review status: no assertion criteria provided. Criteria: ACMG Guidelines, 2015. Collection method: clinical testing. Allele origin: germline. Affected: yes. Not counted in ClinVar's aggregate classification.

NM_006343.3(MERTK):c.1684C>T (p.Leu562Phe)

Gene: MERTK (MER proto-oncogene, tyrosine kinase; plus strand). Cytogenetic location: 2q13.
Variant type: single nucleotide variant.
Coding change: c.1684C>T on transcript NM_006343.3 (MANE Select); coding-DNA position 1684, C replaced by T.
Protein change: p.Leu562Phe; replaces leucine 562 with phenylalanine.
Molecular consequence: missense variant.
Genome position (GRCh38, 1-based): chr2:112,001,280, C>T. VCF-style: chr2-112001280-C-T. GRCh37 (hg19) VCF-style: chr2-112758857-C-T.
Other names: short protein forms L562F.
Identifiers: ClinVar variation 937646 (VCV000937646.9), dbSNP rs1338782600, ClinGen allele CA348232328.